The following is an entry in ClinVar:

NM_001128228.3(TPRN):c.761C>T (p.Ser254Leu)

Gene: TPRN (taperin; minus strand). Cytogenetic location: 9q34.3.
Variant type: single nucleotide variant.
Coding change: c.761C>T on transcript NM_001128228.3 (MANE Select); coding-DNA position 761, C replaced by T.
Protein change: p.Ser254Leu; replaces serine 254 with leucine.
Molecular consequence: missense variant.
Genome position (GRCh38, 1-based): chr9:137,199,951, G>A on the plus strand (C>T on the coding strand, the complement: TPRN is on the minus strand). VCF-style: chr9-137199951-G-A. GRCh37 (hg19) VCF-style: chr9-140094403-G-A.
Other names: short protein forms S254L.
Identifiers: ClinVar variation 2126915 (VCV002126915.4), dbSNP rs1156438653, ClinGen allele CA375779873.

ClinVar aggregate classification (germline): Uncertain significance (1 of 4 stars; one submission).

Allele frequency attached by ClinVar (database versions not stated): gnomAD exomes below 0.00001; gnomAD 0.00001; TOPMed 0.00001.
gnomAD v4.1: 5 of 1,485,432 alleles (0.00034%); highest among the groups gnomAD compares: Non-Finnish European, 0.00045%; no homozygotes.

Submission:

Labcorp Genetics (formerly Invitae), Labcorp
Classification: Uncertain significance. Last evaluated: 2024-04-17. Review status: criteria provided, single submitter. Criteria: Invitae Variant Classification Sherloc (09022015). Collection method: clinical testing. Allele origin: germline.
Comment: This sequence change replaces serine, which is neutral and polar, with leucine, which is neutral and non-polar, at codon 254 of the TPRN protein (p.Ser254Leu). This variant is present in population databases (no rsID available, gnomAD 0.007%). This variant has not been reported in the literature in individuals affected with TPRN-related conditions. ClinVar contains an entry for this variant (Variation ID: 2126915). Advanced modeling of protein sequence and biophysical properties (such as structural, functional, and spatial information, amino acid conservation, physicochemical variation, residue mobility, and thermodynamic stability) performed at Invitae indicates that this missense variant is not expected to disrupt TPRN protein function with a negative predictive value of 80%. In summary, the available evidence is currently insufficient to determine the role of this variant in disease. Therefore, it has been classified as a Variant of Uncertain Significance.